The following is an entry in ClinVar:

ClinVar aggregate classification (germline): Conflicting classifications of pathogenicity. Review status: criteria provided, conflicting classifications (1 of 4 stars). 2 submissions from 2 submitters: Likely pathogenic (1); Uncertain significance (1). Last evaluated 2025-11-21.

Conditions:
Hereditary cancer-predisposing syndrome. Also called: Tumor predisposition; Hereditary Cancer Syndrome; Neoplastic Syndromes, Hereditary; Hereditary neoplastic syndrome. Identifiers: Orphanet 140162, MedGen C0027672, MeSH D009386, MONDO:0015356.

Allele frequency attached by ClinVar (database versions not stated): TOPMed 0.00001.

Submissions (2):

Ambry Genetics
Classification: Likely pathogenic for Hereditary cancer-predisposing syndrome. Last evaluated: 2025-11-21. Review status: criteria provided, single submitter. Criteria: Ambry Variant Classification Scheme 2023. Collection method: clinical testing. Allele origin: germline.
Comment: The c.3994-160T>C intronic variant results from a T to C substitution 160 nucleotides upstream from coding exon 26 in the ATM gene. This nucleotide position is well conserved in available vertebrate species. In silico splice site analysis predicts that this alteration may result in the creation or strengthening of a novel splice acceptor site. RNA studies have demonstrated that this alteration results in abnormal splicing in the set of samples tested (Ambry internal data). This variant is considered to be rare based on population cohorts in the Genome Aggregation Database (gnomAD). Based on the majority of available evidence to date, this variant is likely to be pathogenic.

Color Diagnostics, LLC DBA Color Health
Classification: Uncertain significance for Hereditary cancer-predisposing syndrome. Last evaluated: 2023-02-17. Review status: criteria provided, single submitter. Criteria: ACMG Guidelines, 2015. Collection method: clinical testing. Allele origin: germline.
Comment: This variant causes a T to C nucleotide substitution at the -160 position of intron 26 of the ATM gene. Splice site prediction tools are inconclusive regarding the impact of this variant on RNA splicing. To our knowledge, this variant has not been reported in individuals affected with hereditary cancer in the literature. This variant has not been identified in the general population by the Genome Aggregation Database (gnomAD). The available evidence is insufficient to determine the role of this variant in disease conclusively. Therefore, this variant is classified as a Variant of Uncertain Significance.

NM_000051.4(ATM):c.3994-160T>C

Gene: ATM (ATM serine/threonine kinase; plus strand). Cytogenetic location: 11q22.3.
Variant type: single nucleotide variant.
Coding change: c.3994-160T>C on transcript NM_000051.4 (MANE Select); 160 bases into the intron before coding-DNA position 3994, T replaced by C.
Molecular consequence: intron variant.
Genome position (GRCh38, 1-based): chr11:108,287,440, T>C. VCF-style: chr11-108287440-T-C. GRCh37 (hg19) VCF-style: chr11-108158167-T-C.
Other names: c.3994-160T>C (NM_001351834.2).
Identifiers: ClinVar variation 1332207 (VCV001332207.8), dbSNP rs2082548304, ClinGen allele CA1998795228.